The following is an entry in ClinVar:

NM_000059.4(BRCA2):c.8719G>A (p.Ala2907Thr)

Gene: BRCA2 (BRCA2 DNA repair associated; plus strand). Cytogenetic location: 13q13.1.
Variant type: single nucleotide variant.
Coding change: c.8719G>A on transcript NM_000059.4 (MANE Select); coding-DNA position 8719, G replaced by A.
Protein change: p.Ala2907Thr; replaces alanine 2907 with threonine.
Molecular consequence: missense variant.
Genome position (GRCh38, 1-based): chr13:32,376,756, G>A. VCF-style: chr13-32376756-G-A. GRCh37 (hg19) VCF-style: chr13-32950893-G-A.
Other names: short protein forms A2907T.
Identifiers: ClinVar variation 822682 (VCV000822682.20), dbSNP rs1593934954, ClinGen allele CA387754948.

ClinVar aggregate classification (germline): Conflicting classifications of pathogenicity. Review status: criteria provided, conflicting classifications (1 of 4 stars). 5 submissions from 5 submitters: Uncertain significance (4); Likely benign (1). Last evaluated 2025-05-15.

Conditions:
Hereditary cancer-predisposing syndrome. Also called: Hereditary Cancer Syndrome; Neoplastic Syndromes, Hereditary; Hereditary neoplastic syndrome; Tumor predisposition. Identifiers: Orphanet 140162, MedGen C0027672, MeSH D009386, MONDO:0015356.
Hereditary breast ovarian cancer syndrome. Also called: Hereditary breast and ovarian cancer syndrome (HBOC); Hereditary breast and ovarian cancer syndrome; Breast and ovarian cancer; Hereditary breast and/or ovarian cancer syndrome; BRCA1- and BRCA2-Associated Hereditary Breast and Ovarian Cancer; Hereditary breast and ovarian cancer. Identifiers: Orphanet 145, MedGen C0677776, MeSH D061325, MONDO:0003582. Disease mechanism: loss of function.
Breast-ovarian cancer, familial, susceptibility to, 2 (BROVCA2). Also called: BRCA2 Hereditary Breast and Ovarian Cancer. Identifiers: Orphanet 145, MedGen C2675520, MONDO:0012933, OMIM 612555. Disease mechanism: loss of function.

Allele frequency attached by ClinVar (database versions not stated): gnomAD exomes below 0.00001.
gnomAD v4.1: 1 of 1,614,162 alleles (0.000062%); highest among the groups gnomAD compares: Non-Finnish European, 0.000085%; no homozygotes.

Submissions (5):

Ambry Genetics
Classification: Likely benign for Hereditary cancer-predisposing syndrome. Last evaluated: 2025-05-15. Review status: criteria provided, single submitter. Criteria: Ambry Variant Classification Scheme 2023. Collection method: clinical testing. Allele origin: germline.

Labcorp Genetics (formerly Invitae), Labcorp
Classification: Uncertain significance for Hereditary breast ovarian cancer syndrome. Last evaluated: 2024-11-13. Review status: criteria provided, single submitter. Criteria: Invitae Variant Classification Sherloc (09022015). Collection method: clinical testing. Allele origin: germline.
Comment: This sequence change replaces alanine, which is neutral and non-polar, with threonine, which is neutral and polar, at codon 2907 of the BRCA2 protein (p.Ala2907Thr). This variant is not present in population databases (gnomAD no frequency). This variant has not been reported in the literature in individuals affected with BRCA2-related conditions. ClinVar contains an entry for this variant (Variation ID: 822682). Invitae Evidence Modeling of protein sequence and biophysical properties (such as structural, functional, and spatial information, amino acid conservation, physicochemical variation, residue mobility, and thermodynamic stability) indicates that this missense variant is not expected to disrupt BRCA2 protein function with a negative predictive value of 95%. In summary, the available evidence is currently insufficient to determine the role of this variant in disease. Therefore, it has been classified as a Variant of Uncertain Significance.

GeneDx
Classification: Uncertain significance. Last evaluated: 2023-07-25. Review status: criteria provided, single submitter. Criteria: GeneDx Variant Classification Process June 2021. Collection method: clinical testing. Allele origin: germline. Affected: yes.
Comment: Not observed at significant frequency in large population cohorts (gnomAD); In silico analysis supports that this missense variant does not alter protein structure/function; Has not been previously published as pathogenic or benign to our knowledge; Also known as 8947G>A; This variant is associated with the following publications: (PMID: 12228710)

All of Us Research Program, National Institutes of Health
Classification: Uncertain significance for Breast-ovarian cancer, familial, susceptibility to, 2. Last evaluated: 2023-06-28. Review status: criteria provided, single submitter. Criteria: ACMG Guidelines, 2015. Collection method: clinical testing. Allele origin: germline. Inheritance: Autosomal dominant inheritance. Observed: 2 variant alleles, 2 heterozygotes.
Comment: This missense variant replaces alanine with threonine at codon 2907 of the BRCA2 protein. Computational prediction suggests that this variant may not impact protein structure and function (internally defined REVEL score threshold <= 0.5, PMID: 27666373). To our knowledge, functional studies have not been reported for this variant. This variant has not been reported in individuals affected with BRCA2-related disorders in the literature, and has been reported in an unaffected individual (PMID: 33471991; Leiden Open Variation Database DB-ID BRCA2_008699). This variant has not been identified in the general population by the Genome Aggregation Database (gnomAD). The available evidence is insufficient to determine the role of this variant in disease conclusively. Therefore, this variant is classified as a Variant of Uncertain Significance.

This study involves interpretation of variants in research participants for the purpose of population health screening. Participant phenotype was not available at the time of variant classification. Additional details can be found in publication PMID: 35346344, PMCID: PMC8962531

Color Diagnostics, LLC DBA Color Health
Classification: Uncertain significance for Hereditary cancer-predisposing syndrome. Last evaluated: 2023-06-15. Review status: criteria provided, single submitter. Criteria: ACMG Guidelines, 2015. Collection method: clinical testing. Allele origin: germline.
Comment: This missense variant replaces alanine with threonine at codon 2907 of the BRCA2 protein. Computational prediction suggests that this variant may not impact protein structure and function (internally defined REVEL score threshold <= 0.5, PMID: 27666373). To our knowledge, functional studies have not been reported for this variant. This variant has not been reported in individuals affected with BRCA2-related disorders in the literature, and has been reported in an unaffected individual (PMID: 33471991; Leiden Open Variation Database DB-ID BRCA2_008699). This variant has not been identified in the general population by the Genome Aggregation Database (gnomAD). The available evidence is insufficient to determine the role of this variant in disease conclusively. Therefore, this variant is classified as a Variant of Uncertain Significance.

Literature cited by the submitters: PubMed 33471991 (cited by All of Us Research Program, National Institutes of Health and Color Diagnostics, LLC DBA Color Health).